The following is an entry in ClinVar:

NM_003924.4(PHOX2B):c.455A>G (p.Lys152Arg)

Gene: PHOX2B (paired like homeobox 2B; minus strand). Cytogenetic location: 4p13.
Variant type: single nucleotide variant.
Coding change: c.455A>G on transcript NM_003924.4 (MANE Select); coding-DNA position 455, A replaced by G.
Protein change: p.Lys152Arg; replaces lysine 152 with arginine.
Molecular consequence: missense variant.
Genome position (GRCh38, 1-based): chr4:41,746,297, T>C on the plus strand (A>G on the coding strand, the complement: PHOX2B is on the minus strand). VCF-style: chr4-41746297-T-C. GRCh37 (hg19) VCF-style: chr4-41748314-T-C.
Other names: short protein forms K152R.
Identifiers: ClinVar variation 2139957 (VCV002139957.4), dbSNP rs2552096905, ClinGen allele CA356738778.
Genomic context (GRCh38, chr4:41,746,297, plus strand): 5'-GAGGAGCCGTTCTTGGCCGCGGCCGCTGCGGCTGCCGCTGCGCGCTCCTGCTTGCGAAAC[T>C]TGGCGCGGCGGTTCTGGAACCACACCTGGCCCAAGACGGAAGGAGAGACGGTGAAGCAGG-3'
Protein context (NP_003915.2, residues 142-162): VQVWFQNRRA[Lys152Arg]FRKQERAAAA

ClinVar aggregate classification (germline): Uncertain significance (1 of 4 stars; one submission).

Conditions:
Haddad syndrome (OHD). Also called: Ondine-Hirschsprung disease. Identifiers: Orphanet 99803, MedGen C1859049, MONDO:0020493.

Submission:

Labcorp Genetics (formerly Invitae), Labcorp
Classification: Uncertain significance for Haddad syndrome. Last evaluated: 2022-04-08. Review status: criteria provided, single submitter. Criteria: Invitae Variant Classification Sherloc (09022015). Collection method: clinical testing. Allele origin: germline.
Comment: In summary, the available evidence is currently insufficient to determine the role of this variant in disease. Therefore, it has been classified as a Variant of Uncertain Significance. Algorithms developed to predict the effect of missense changes on protein structure and function are either unavailable or do not agree on the potential impact of this missense change (SIFT: "Deleterious"; PolyPhen-2: "Not Available"; Align-GVGD: "Class C25"). This variant has not been reported in the literature in individuals affected with PHOX2B-related conditions. This variant is not present in population databases (gnomAD no frequency). This sequence change replaces lysine, which is basic and polar, with arginine, which is basic and polar, at codon 152 of the PHOX2B protein (p.Lys152Arg).